The following is an entry in ClinVar:

NM_014874.4(MFN2):c.881G>A (p.Arg294Gln)

Gene: MFN2 (mitofusin 2; plus strand). Cytogenetic location: 1p36.22.
Variant type: single nucleotide variant.
Coding change: c.881G>A on transcript NM_014874.4 (MANE Select); coding-DNA position 881, G replaced by A.
Protein change: p.Arg294Gln; replaces arginine 294 with glutamine.
Molecular consequence: missense variant.
Genome position (GRCh38, 1-based): chr1:12,001,465, G>A. VCF-style: chr1-12001465-G-A. GRCh37 (hg19) VCF-style: chr1-12061522-G-A.
Other names: c.881G>A, p.Arg294Gln (NM_001127660.2); short protein forms R294Q.
Identifiers: ClinVar variation 2084470 (VCV002084470.4), dbSNP rs371982971, ClinGen allele CA598956.

ClinVar aggregate classification (germline): Uncertain significance (1 of 4 stars; one submission).

Conditions:
Charcot-Marie-Tooth disease type 2. Also called: Charcot-Marie-Tooth type 2. Identifiers: Orphanet 64746, MedGen C0270914, MONDO:0018993.

Allele frequency attached by ClinVar (database versions not stated): ESP Exome Variant Server 0.00008; ExAC 0.00001.
gnomAD v4.1: 21 of 1,614,024 alleles (0.0013%); highest among the groups gnomAD compares: South Asian, 0.0022%; no homozygotes.

Submission:

Labcorp Genetics (formerly Invitae), Labcorp
Classification: Uncertain significance for Charcot-Marie-Tooth disease type 2. Last evaluated: 2022-09-09. Review status: criteria provided, single submitter. Criteria: Invitae Variant Classification Sherloc (09022015). Collection method: clinical testing. Allele origin: germline.
Comment: This sequence change replaces arginine, which is basic and polar, with glutamine, which is neutral and polar, at codon 294 of the MFN2 protein (p.Arg294Gln). This variant is present in population databases (rs371982971, gnomAD 0.003%). This variant has not been reported in the literature in individuals affected with MFN2-related conditions. Algorithms developed to predict the effect of missense changes on protein structure and function (SIFT, PolyPhen-2, Align-GVGD) all suggest that this variant is likely to be tolerated. In summary, the available evidence is currently insufficient to determine the role of this variant in disease. Therefore, it has been classified as a Variant of Uncertain Significance.